The following is an entry in ClinVar:

NM_001267550.2(TTN):c.104741T>A (p.Met34914Lys)

Genes: TTN-AS1 (TTN antisense RNA 1; plus strand), TTN (titin; minus strand). Cytogenetic location: 2q31.2.
Variant type: single nucleotide variant.
Coding change: c.104741T>A on transcript NM_001267550.2 (MANE Select); coding-DNA position 104741, T replaced by A.
Protein change: p.Met34914Lys; replaces methionine 34914 with lysine.
Molecular consequence: missense variant.
Genome position (GRCh38, 1-based): chr2:178,531,874, A>T on the plus strand (T>A on the coding strand, the complement: TTN is on the minus strand). VCF-style: chr2-178531874-A-T. GRCh37 (hg19) VCF-style: chr2-179396601-A-T.
Other names: c.99818T>A, p.Met33273Lys (NM_001256850.1); c.77546T>A, p.Met25849Lys (NM_003319.4); c.97037T>A, p.Met32346Lys (NM_133378.4); c.77921T>A, p.Met25974Lys (NM_133432.3); c.78122T>A, p.Met26041Lys (NM_133437.4); short protein forms M32346K, M33273K, M34914K, M25849K, M25974K, M26041K.
Identifiers: ClinVar variation 282167 (VCV000282167.15), dbSNP rs373257372, ClinGen allele CA10604091.

ClinVar aggregate classification (germline): Uncertain significance. Review status: criteria provided, multiple submitters, no conflicts (2 of 4 stars). 3 submissions from 3 submitters: Uncertain significance (3). Last evaluated 2024-12-02.

Conditions:
Dilated cardiomyopathy 1G (CMD1G). Identifiers: Orphanet 154, MedGen C1858763, MONDO:0011400, OMIM 604145.
Autosomal recessive limb-girdle muscular dystrophy type 2J (LGMDR10). Also called: Limb-girdle muscular dystrophy, type 2J; MUSCULAR DYSTROPHY, LIMB-GIRDLE, AUTOSOMAL RECESSIVE 10. Identifiers: Orphanet 140922, MedGen C1837342, MONDO:0012127, OMIM 608807.

Allele frequency attached by ClinVar (database versions not stated): gnomAD 0.00001 and 0.00002; gnomAD exomes 0.00002; TOPMed 0.00002; ESP Exome Variant Server 0.00008.
gnomAD v4.1: 27 of 1,613,212 alleles (0.0017%); highest among the groups gnomAD compares: Non-Finnish European, 0.0022%; no homozygotes.

Submissions (3):

Labcorp Genetics (formerly Invitae), Labcorp
Classification: Uncertain significance for Dilated cardiomyopathy 1G; Autosomal recessive limb-girdle muscular dystrophy type 2J. Last evaluated: 2024-12-02. Review status: criteria provided, single submitter. Criteria: Invitae Variant Classification Sherloc (09022015). Collection method: clinical testing. Allele origin: germline.
Comment: This sequence change replaces methionine, which is neutral and non-polar, with lysine, which is basic and polar, at codon 34914 of the TTN protein (p.Met34914Lys). This variant is present in population databases (rs373257372, gnomAD 0.007%). This variant has not been reported in the literature in individuals affected with TTN-related conditions. ClinVar contains an entry for this variant (Variation ID: 282167). Experimental studies and prediction algorithms are not available or were not evaluated, and the functional significance of this variant is currently unknown. This variant is located in the M band of TTN (PMID: 25589632). Non-truncating variants in this region may be relevant for neuromuscular disorders, but have not been definitively shown to cause cardiomyopathy (PMID: 23975875). In summary, the available evidence is currently insufficient to determine the role of this variant in disease. Therefore, it has been classified as a Variant of Uncertain Significance.

Revvity Omics, Revvity
Classification: Uncertain significance. Last evaluated: 2021-10-13. Review status: criteria provided, single submitter. Criteria: ACMG Guidelines, 2015. Collection method: clinical testing. Allele origin: germline.

Eurofins Ntd Llc (ga)
Classification: Uncertain significance. Last evaluated: 2015-07-30. Review status: criteria provided, single submitter. Criteria: EGL Classification Definitions 2015. Collection method: clinical testing. Allele origin: germline. Observed: 1 variant allele, 1 heterozygote.

Literature cited by the submitters: PubMed 25589632 (cited by Labcorp Genetics (formerly Invitae), Labcorp); PubMed 23975875 (cited by Labcorp Genetics (formerly Invitae), Labcorp).